The following is an entry in ClinVar:

NM_006118.4(HAX1):c.170C>T (p.Pro57Leu)

Gene: HAX1 (HCLS1 associated protein X-1; plus strand). Cytogenetic location: 1q21.3.
Variant type: single nucleotide variant.
Coding change: c.170C>T on transcript NM_006118.4 (MANE Select); coding-DNA position 170, C replaced by T.
Protein change: p.Pro57Leu; replaces proline 57 with leucine.
Molecular consequence: missense variant. On other transcripts: intron variant (1).
Genome position (GRCh38, 1-based): chr1:154,273,452, C>T. VCF-style: chr1-154273452-C-T. GRCh37 (hg19) VCF-style: chr1-154245928-C-T.
Other names: c.54-28C>T (NM_001018837.2); short protein forms P57L.
Identifiers: ClinVar variation 3524074 (VCV003524074.2).

ClinVar aggregate classification (germline): Uncertain significance. Review status: criteria provided, multiple submitters, no conflicts (2 of 4 stars). 2 submissions from 2 submitters: Uncertain significance (2). Last evaluated 2024-10-08.

Conditions:
Inborn genetic diseases. Identifiers: MedGen C0950123, MeSH D030342.

gnomAD v4.1: 42 of 1,613,992 alleles (0.0026%); highest among the groups gnomAD compares: African/African-American, 0.051%; no homozygotes.

Submissions (2):

Blueprint Genetics
Classification: Uncertain significance. Last evaluated: 2024-10-08. Review status: criteria provided, single submitter. Criteria: ACMG Guidelines, 2015. Collection method: clinical testing. Allele origin: germline.

Ambry Genetics
Classification: Uncertain significance for Inborn genetic diseases. Last evaluated: 2024-10-05. Review status: criteria provided, single submitter. Criteria: Ambry Variant Classification Scheme 2023. Collection method: clinical testing. Allele origin: germline.
Comment: The p.P57L variant (also known as c.170C>T), located in coding exon 2 of the HAX1 gene, results from a C to T substitution at nucleotide position 170. The proline at codon 57 is replaced by leucine, an amino acid with similar properties. This amino acid position is conserved. In addition, this alteration is predicted to be tolerated by in silico analysis. Based on the available evidence, the clinical significance of this variant remains unclear.